The following is an entry in ClinVar:

ClinVar aggregate classification (germline): Uncertain significance (1 of 4 stars; one submission).

Conditions:
Fanconi anemia complementation group J. Also called: BRIP1-Related Fanconi Anemia. Identifiers: Orphanet 84, MedGen C1836860, MONDO:0012187, OMIM 609054.
Familial cancer of breast. Also called: Hereditary breast cancer; hereditary breast carcinoma; BREAST CANCER, FAMILIAL. Identifiers: Orphanet 227535, MedGen C0346153, MONDO:0016419, OMIM 114480. Disease mechanism: loss of function.

Submission:

Labcorp Genetics (formerly Invitae), Labcorp
Classification: Uncertain significance for Familial cancer of breast; Fanconi anemia complementation group J. Last evaluated: 2024-11-24. Review status: criteria provided, single submitter. Criteria: Invitae Variant Classification Sherloc (09022015). Collection method: clinical testing. Allele origin: germline.
Comment: This sequence change replaces alanine, which is neutral and non-polar, with threonine, which is neutral and polar, at codon 418 of the BRIP1 protein (p.Ala418Thr). This variant is not present in population databases (gnomAD no frequency). This variant has not been reported in the literature in individuals affected with BRIP1-related conditions. ClinVar contains an entry for this variant (Variation ID: 2931694). Invitae Evidence Modeling of protein sequence and biophysical properties (such as structural, functional, and spatial information, amino acid conservation, physicochemical variation, residue mobility, and thermodynamic stability) indicates that this missense variant is not expected to disrupt BRIP1 protein function with a negative predictive value of 95%. In summary, the available evidence is currently insufficient to determine the role of this variant in disease. Therefore, it has been classified as a Variant of Uncertain Significance.

NM_032043.3(BRIP1):c.1252G>A (p.Ala418Thr)

Gene: BRIP1 (BRCA1 interacting DNA helicase 1; minus strand). Cytogenetic location: 17q23.2.
Variant type: single nucleotide variant.
Coding change: c.1252G>A on transcript NM_032043.3 (MANE Select); coding-DNA position 1252, G replaced by A.
Protein change: p.Ala418Thr; replaces alanine 418 with threonine.
Molecular consequence: missense variant.
Genome position (GRCh38, 1-based): chr17:61,799,188, C>T on the plus strand (G>A on the coding strand, the complement: BRIP1 is on the minus strand). VCF-style: chr17-61799188-C-T. GRCh37 (hg19) VCF-style: chr17-59876549-C-T.
Other names: short protein forms A418T.
Identifiers: ClinVar variation 2931694 (VCV002931694.3), dbSNP rs1567829310, ClinGen allele CA400483599.